The following is an entry in ClinVar:

ClinVar aggregate classification (germline): Uncertain significance (1 of 4 stars; one submission).

Conditions:
Inborn genetic diseases. Identifiers: MedGen C0950123, MeSH D030342.

Submission:

Ambry Genetics
Classification: Uncertain significance for Inborn genetic diseases. Last evaluated: 2026-03-23. Review status: criteria provided, single submitter. Criteria: Ambry Variant Classification Scheme 2023. Collection method: clinical testing. Allele origin: germline.
Comment: The p.P122L variant (also known as c.365C>T), located in coding exon 3 of the SBDS gene, results from a C to T substitution at nucleotide position 365. The proline at codon 122 is replaced by leucine, an amino acid with similar properties. This amino acid position is conserved. In addition, this alteration is predicted to be deleterious by in silico analysis. Based on the available evidence, the clinical significance of this variant remains unclear.

NM_016038.4(SBDS):c.365C>T (p.Pro122Leu)

Gene: SBDS (SBDS ribosome maturation factor; minus strand). Cytogenetic location: 7q11.21.
Variant type: single nucleotide variant.
Coding change: c.365C>T on transcript NM_016038.4 (MANE Select); coding-DNA position 365, C replaced by T.
Protein change: p.Pro122Leu; replaces proline 122 with leucine.
Molecular consequence: missense variant.
Genome position (GRCh38, 1-based): chr7:66,993,311, G>A on the plus strand (C>T on the coding strand, the complement: SBDS is on the minus strand). VCF-style: chr7-66993311-G-A. GRCh37 (hg19) VCF-style: chr7-66458298-G-A.
Other names: short protein forms P122L.
Identifiers: ClinVar variation 4864047 (VCV004864047.1).